The following is an entry in ClinVar:

ClinVar aggregate classification (germline): Likely benign. Review status: criteria provided, multiple submitters, no conflicts (2 of 4 stars). 8 submissions from 8 submitters: Likely benign (5). 3 of the submissions do not count toward it. Last evaluated 2026-03-01.

Conditions:
Dilated cardiomyopathy 1G (CMD1G). Identifiers: Orphanet 154, MedGen C1858763, MONDO:0011400, OMIM 604145.
Autosomal recessive limb-girdle muscular dystrophy type 2J (LGMDR10). Also called: MUSCULAR DYSTROPHY, LIMB-GIRDLE, AUTOSOMAL RECESSIVE 10; Limb-girdle muscular dystrophy, type 2J. Identifiers: Orphanet 140922, MedGen C1837342, MONDO:0012127, OMIM 608807.
Cardiovascular phenotype. Identifiers: MedGen CN230736.
TTN-related disorder. Also called: TTN-related condition; TTN-related disease; TTN-related disorders.

Allele frequency attached by ClinVar (database versions not stated): ExAC 0.00003; gnomAD exomes 0.00004; gnomAD 0.00005; TOPMed 0.00005.
gnomAD v4.1: 31 of 1,612,178 alleles (0.0019%); highest among the groups gnomAD compares: Middle Eastern, 0.016%; no homozygotes.

Submissions (8):

CeGaT Center for Human Genetics Tuebingen
Classification: Likely benign. Last evaluated: 2026-03-01. Review status: criteria provided, single submitter. Criteria: CeGaT Center For Human Genetics Tuebingen Variant Classification Criteria Version 2. Collection method: clinical testing. Allele origin: germline. Affected: yes. Observed: 2 variant alleles.
Comment: TTN: BP4, BP7

Labcorp Genetics (formerly Invitae), Labcorp
Classification: Likely benign for Dilated cardiomyopathy 1G; Autosomal recessive limb-girdle muscular dystrophy type 2J. Last evaluated: 2025-11-21. Review status: criteria provided, single submitter. Criteria: Invitae Variant Classification Sherloc (09022015). Collection method: clinical testing. Allele origin: germline.

PreventionGenetics, part of Exact Sciences
Classification: Likely benign for TTN-related condition. Last evaluated: 2025-06-11. Review status: criteria provided, single submitter. Criteria: ACMG Guidelines, 2015. Collection method: clinical testing. Allele origin: germline.
Comment: This variant is classified as likely benign based on ACMG/AMP sequence variant interpretation guidelines (Richards et al. 2015 PMID: 25741868, with internal and published modifications).

Ambry Genetics
Classification: Likely benign for Cardiovascular phenotype. Last evaluated: 2020-02-20. Review status: criteria provided, single submitter. Criteria: Ambry Variant Classification Scheme 2023. Collection method: clinical testing. Allele origin: germline.

GeneDx
Classification: Likely benign. Last evaluated: 2020-02-03. Review status: criteria provided, single submitter. Criteria: GeneDx Variant Classification Process June 2021. Collection method: clinical testing. Allele origin: germline. Affected: yes.

Clinical Genetics DNA and cytogenetics Diagnostics Lab, Erasmus MC, Erasmus Medical Center
Classification: Benign. Review status: no assertion criteria provided. Collection method: clinical testing. Allele origin: germline. Affected: yes. Study: VKGL Data-share Consensus. Not counted in ClinVar's aggregate classification.

Clinical Genetics, Academic Medical Center
Classification: Benign. Review status: no assertion criteria provided. Collection method: clinical testing. Allele origin: germline. Affected: yes. Study: VKGL Data-share Consensus. Not counted in ClinVar's aggregate classification.

Laboratory of Diagnostic Genome Analysis, Leiden University Medical Center (LUMC)
Classification: Likely benign. Review status: no assertion criteria provided. Collection method: clinical testing. Allele origin: germline. Affected: yes. Study: VKGL Data-share Consensus. Not counted in ClinVar's aggregate classification.

NM_001267550.2(TTN):c.45994C>T (p.Leu15332=)

Gene: TTN (titin; minus strand). Cytogenetic location: 2q31.2.
Variant type: single nucleotide variant.
Coding change: c.45994C>T on transcript NM_001267550.2 (MANE Select); coding-DNA position 45994, C replaced by T.
Protein change: p.Leu15332=; no amino-acid change (leucine 15332 retained).
Molecular consequence: synonymous variant.
Genome position (GRCh38, 1-based): chr2:178,620,527, G>A on the plus strand (C>T on the coding strand, the complement: TTN is on the minus strand). VCF-style: chr2-178620527-G-A. GRCh37 (hg19) VCF-style: chr2-179485254-G-A.
Other names: c.41071C>T, p.Leu13691= (NM_001256850.1); c.18799C>T, p.Leu6267= (NM_003319.4); c.38290C>T, p.Leu12764= (NM_133378.4); c.19174C>T, p.Leu6392= (NM_133432.3); c.19375C>T, p.Leu6459= (NM_133437.4).
Identifiers: ClinVar variation 516819 (VCV000516819.35), dbSNP rs765663809, ClinGen allele CA1995322.
Genomic context (GRCh38, chr2:178,620,527, plus strand): 5'-CAACTCTGTATGAGACACGGTTGTCAAAAGGCACTTCTTCACCATTTTTGGTCCACTTCA[G>A]TGTTACATTGAGACGATTCACCTTGCACCAGAATGTGACAGATTTCTTCTCCATTGTTTC-3'
Protein context (NP_001254479.2, residues 15322-15342): WCKVNRLNVT[Leu15332=]KWTKNGEEVP